The following is an entry in ClinVar:

ClinVar aggregate classification (germline): Pathogenic (1 of 4 stars; one submission).

Conditions:
Retinoblastoma (RB1). Also called: RETINOBLASTOMA, SOMATIC. Identifiers: Orphanet 790, MedGen C0035335, MeSH D012175, MONDO:0008380, OMIM 180200, HP:0009919. Disease mechanism: loss of function. Inheritance: Both sporadic and heritable forms are tested..

Submission:

Labcorp Genetics (formerly Invitae), Labcorp
Classification: Pathogenic for Retinoblastoma. Last evaluated: 2021-12-08. Review status: criteria provided, single submitter. Criteria: Invitae Variant Classification Sherloc (09022015). Collection method: clinical testing. Allele origin: germline.
Comment: A gross deletion of the genomic region encompassing the full coding sequence of the RB1 gene has been identified. Loss-of-function variants in RB1 are known to be pathogenic (PMID: 17096365). The boundaries of this event are unknown as they extend beyond the assayed region for this gene and therefore may encompass additional genes. A similar copy number variant has been observed in individuals with retinoblastoma (PMID: 8099255, 12541220, 28575107, 29568217). For these reasons, this variant has been classified as Pathogenic.

Literature cited by the submitters: PubMed 17096365; PubMed 8099255; PubMed 12541220; PubMed 28575107; PubMed 29568217.

NC_000013.10:g.(?_48877851)_(49054207_?)del

Genes: LPAR6 (lysophosphatidic acid receptor 6; minus strand), RB1 (RB transcriptional corepressor 1; plus strand). Cytogenetic location: 13q14.2.
Variant type: Deletion.
Identifiers: ClinVar variation 1070856 (VCV001070856.2).